The following is an entry in ClinVar:

NM_001035.3(RYR2):c.9414T>C (p.Tyr3138=)

Gene: RYR2 (ryanodine receptor 2; plus strand). Cytogenetic location: 1q43.
Variant type: single nucleotide variant.
Coding change: c.9414T>C on transcript NM_001035.3 (MANE Select); coding-DNA position 9414, T replaced by C.
Protein change: p.Tyr3138=; no amino-acid change (tyrosine 3138 retained).
Molecular consequence: synonymous variant.
Genome position (GRCh38, 1-based): chr1:237,702,024, T>C. VCF-style: chr1-237702024-T-C. GRCh37 (hg19) VCF-style: chr1-237865324-T-C.
Identifiers: ClinVar variation 922181 (VCV000922181.7), dbSNP rs770274059, ClinGen allele CA087888.

ClinVar aggregate classification (germline): Likely benign. Review status: criteria provided, multiple submitters, no conflicts (2 of 4 stars). 3 submissions from 3 submitters: Likely benign (3). Last evaluated 2024-05-30.

Conditions:
Catecholaminergic polymorphic ventricular tachycardia 1. Also called: VENTRICULAR TACHYCARDIA, CATECHOLAMINERGIC POLYMORPHIC, 1, WITH OR WITHOUT ATRIAL DYSFUNCTION AND/OR DILATED CARDIOMYOPATHY; RYR2-Related Catecholaminergic Polymorphic Ventricular Tachycardia; VENTRICULAR TACHYCARDIA, STRESS-INDUCED POLYMORPHIC 1. Identifiers: Orphanet 3286, MedGen C1631597, MONDO:0011484, OMIM 604772.
Catecholaminergic polymorphic ventricular tachycardia (CVPT). Also called: Catecholamine-induced polymorphic ventricular tachycardia. Identifiers: Orphanet 3286, MedGen C5574922, MONDO:0017990.
Cardiomyopathy (CMYO). Also called: Cardiomyopathies. Identifiers: Orphanet 167848, MedGen C0878544, MONDO:0004994, HP:0001638. Inheritance: Various modes of inheritance.

Allele frequency attached by ClinVar (database versions not stated): ExAC 0.00001; gnomAD exomes 0.00001.
gnomAD v4.1: 15 of 1,608,466 alleles (0.00093%); highest among the groups gnomAD compares: African/African-American, 0.0067%; no homozygotes.

Submissions (3):

All of Us Research Program, National Institutes of Health
Classification: Likely benign for Catecholaminergic polymorphic ventricular tachycardia. Last evaluated: 2024-05-30. Review status: criteria provided, single submitter. Criteria: ACMG Guidelines, 2015. Collection method: clinical testing. Allele origin: germline. Inheritance: Autosomal dominant inheritance. Observed: 1 variant allele, 1 heterozygote.
Comment: This study involves interpretation of variants in research participants for the purpose of population health screening. Participant phenotype was not available at the time of variant classification. Additional details can be found in publication PMID: 35346344, PMCID: PMC8962531

Labcorp Genetics (formerly Invitae), Labcorp
Classification: Likely benign for Catecholaminergic polymorphic ventricular tachycardia 1. Last evaluated: 2024-02-05. Review status: criteria provided, single submitter. Criteria: Invitae Variant Classification Sherloc (09022015). Collection method: clinical testing. Allele origin: germline.

Color Diagnostics, LLC DBA Color Health
Classification: Likely benign for Cardiomyopathy. Last evaluated: 2018-11-30. Review status: criteria provided, single submitter. Criteria: ACMG Guidelines, 2015. Collection method: clinical testing. Allele origin: germline.